The following is an entry in ClinVar:

ClinVar aggregate classification (germline): Pathogenic (1 of 4 stars; one submission).

Conditions:
Parathyroid carcinoma (PRTC). Also called: Parathyroid gland carcinoma; CDC73-Related Parathyroid Carcinoma. Identifiers: Orphanet 143, MedGen C0687150, MONDO:0012004, OMIM 608266, HP:0006780.

Submission:

Labcorp Genetics (formerly Invitae), Labcorp
Classification: Pathogenic for Parathyroid carcinoma. Last evaluated: 2021-10-06. Review status: criteria provided, single submitter. Criteria: Invitae Variant Classification Sherloc (09022015). Collection method: clinical testing. Allele origin: germline.
Comment: This sequence change creates a premature translational stop signal (p.Lys136*) in the CDC73 gene. It is expected to result in an absent or disrupted protein product. Loss-of-function variants in CDC73 are known to be pathogenic (PMID: 12434154). This variant is not present in population databases (ExAC no frequency). For these reasons, this variant has been classified as Pathogenic. This variant has been observed in individual(s) with hyperparathyroidism-jaw tumor syndrome (PMID: 12434154).

Literature cited by the submitters: PubMed 12434154.

NM_024529.5(CDC73):c.406A>T (p.Lys136Ter)

Gene: CDC73 (cell division cycle 73; plus strand). Cytogenetic location: 1q31.2.
Variant type: single nucleotide variant.
Coding change: c.406A>T on transcript NM_024529.5 (MANE Select); coding-DNA position 406, A replaced by T.
Protein change: p.Lys136Ter; replaces lysine 136 with a stop codon.
Molecular consequence: nonsense.
Genome position (GRCh38, 1-based): chr1:193,135,572, A>T. VCF-style: chr1-193135572-A-T. GRCh37 (hg19) VCF-style: chr1-193104702-A-T.
Other names: short protein forms K136*.
Identifiers: ClinVar variation 1457823 (VCV001457823.6), dbSNP rs2103121703, ClinGen allele CA343960738.